The following is an entry in ClinVar:

NM_001386140.1(MTTP):c.1072C>T (p.Gln358Ter)

Gene: MTTP (microsomal triglyceride transfer protein; plus strand). Cytogenetic location: 4q23.
Variant type: single nucleotide variant.
Coding change: c.1072C>T on transcript NM_001386140.1 (MANE Select); coding-DNA position 1072, C replaced by T.
Protein change: p.Gln358Ter; replaces glutamine 358 with a stop codon.
Molecular consequence: nonsense.
Genome position (GRCh38, 1-based): chr4:99,600,569, C>T. VCF-style: chr4-99600569-C-T. GRCh37 (hg19) VCF-style: chr4-100521726-C-T.
Other names: c.1072C>T, p.Gln358Ter (NM_000253.4); c.823C>T, p.Gln275Ter (NM_001300785.2); short protein forms Q275*, Q358*.
Identifiers: ClinVar variation 3377626 (VCV003377626.1).

ClinVar aggregate classification (germline): Likely pathogenic (1 of 4 stars; one submission).

Conditions:
Abetalipoproteinaemia (ABL). Also called: Abetalipoproteinemia; Abetalipoproteinemia neuropathy; Apolipoprotein B deficiency; Congenital betalipoprotein deficiency syndrome; MTP DEFICIENCY. Identifiers: Orphanet 14, MedGen C0000744, MONDO:0008692, OMIM 200100, HP:0008181.

Submission:

Neuberg Centre For Genomic Medicine, NCGM
Classification: Likely pathogenic for Abetalipoproteinaemia. Review status: criteria provided, single submitter. Criteria: ACMG Guidelines, 2015. Collection method: clinical testing. Allele origin: germline. Inheritance: Autosomal recessive inheritance. Affected: yes.
Comment: The observed stop gained c.1072C>T (p.Gln358Ter) variant in MTTP gene has not been previously reported as a pathogenic variant nor as a benign variant, to our knowledge. This variant is absent in gnomAD Exomes. This variant has not been submitted to the ClinVar database. Computational evidence (MutationTaster - Disease causing) predicts damaging effect on protein structure and function for this variant. The reference amino acid of p.Gln358Ter in MTTP is predicted as conserved by GERP++ and PhyloP across 100 vertebrates. This sequence change creates a premature translational stop signal (p.Gln358Ter) in the MTTP gene. This variant is predicted to cause loss of normal protein function through protein truncation. Loss of function variants in MTTP gene have been previously reported to be disease causing (Grove et al., 2023). However, additional functional studies will be required to prove the pathogenicity of this variant. For these reasons, this variant has been classified as Likely Pathogenic.